The following is an entry in ClinVar:

NM_000102.4(CYP17A1):c.2T>C (p.Met1Thr)

Gene: CYP17A1 (cytochrome P450 family 17 subfamily A member 1; minus strand). Cytogenetic location: 10q24.32.
Variant type: single nucleotide variant.
Coding change: c.2T>C on transcript NM_000102.4 (MANE Select); coding-DNA position 2, T replaced by C.
Protein change: p.Met1Thr; changes the start codon (methionine 1).
Molecular consequence: missense variant, initiator codon variant.
Genome position (GRCh38, 1-based): chr10:102,837,360, A>G on the plus strand (T>C on the coding strand, the complement: CYP17A1 is on the minus strand). VCF-style: chr10-102837360-A-G. GRCh37 (hg19) VCF-style: chr10-104597117-A-G.
Other names: short protein forms M1T.
Identifiers: ClinVar variation 845387 (VCV000845387.13), dbSNP rs1361284521, ClinGen allele CA377941182.

ClinVar aggregate classification (germline): Pathogenic/Likely pathogenic. Review status: criteria provided, multiple submitters, no conflicts (2 of 4 stars). 3 submissions from 3 submitters: Pathogenic (1); Likely pathogenic (2). Last evaluated 2025-08-03.

Conditions:
46,XY disorder of sex development due to isolated 17,20-lyase deficiency. Identifiers: Orphanet 90796, MedGen C5681470, MONDO:0019597.
Deficiency of steroid 17-alpha-monooxygenase. Also called: ADRENAL HYPERPLASIA V; Congenital adrenal hyperplasia due to 17-alpha-hydroxylase deficiency; Congenital adrenal hyperplasia type 5; 17-ALPHA-HYDROXYLASE DEFICIENCY; 17-alpha-hydroxylase/17,20-lyase deficiency. Identifiers: Orphanet 90793, MedGen C0268285, MONDO:0008730, OMIM 202110.

Allele frequency attached by ClinVar (database versions not stated): gnomAD exomes below 0.00001 and 0.00002; gnomAD 0.00001; TOPMed 0.00001.

Submissions (3):

Natera, Inc.
Classification: Pathogenic for Deficiency of steroid 17-alpha-monooxygenase. Last evaluated: 2025-08-03. Review status: criteria provided, single submitter. Criteria: Natera Variant Classification Schema (03/2026). Collection method: clinical testing. Allele origin: germline.
Comment: The c.2T>C variant in CYP17A1 is predicted to result in start loss due to disruption of the initiator methionine. This variant is expected to result in nonsense mediated decay, truncation, or a dysfunctional protein product. This variant is rare in the general population with a frequency below the threshold expected for the associated phenotype(s). This variant has been observed in one or more individuals affected with the associated recessive disease, as either homozygous or compound heterozygous with a second variant (PMID: 14715827). Given the available evidence, this variant is classified as Pathogenic.

Dasa
Classification: Likely pathogenic for 46,XY disorder of sex development due to isolated 17,20-lyase deficiency. Last evaluated: 2025-07-26. Review status: criteria provided, single submitter. Criteria: DASA Assertion Criteria. Collection method: clinical testing. Allele origin: germline.
Comment: NM_000102.4(CYP17A1):c.2T>C (p.Met1?) is a start-loss variant predicted to alter the translation initiation codon and impair normal protein translation. Loss of function is an established disease mechanism for CYP17A1-associated disorders. The affected residue or protein region has prior evidence supporting clinical relevance. This variant has been observed in affected individuals with CYP17A1-related disorders. Also, this variant is rare in population databases. Based on the currently available evidence, this variant is classified as likely pathogenic.

Labcorp Genetics (formerly Invitae), Labcorp
Classification: Likely pathogenic. Last evaluated: 2023-06-11. Review status: criteria provided, single submitter. Criteria: Invitae Variant Classification Sherloc (09022015). Collection method: clinical testing. Allele origin: germline.
Comment: In summary, the currently available evidence indicates that the variant is pathogenic, but additional data are needed to prove that conclusively. Therefore, this variant has been classified as Likely Pathogenic. Experimental studies and prediction algorithms are not available or were not evaluated, and the functional significance of this variant is currently unknown. ClinVar contains an entry for this variant (Variation ID: 845387). Disruption of the initiator codon has been observed in individual(s) with 17-alpha-hydroxylase deficiency (PMID: 9855540, 14715827). In at least one individual the data is consistent with being in trans (on the opposite chromosome) from a pathogenic variant. This variant is present in population databases (no rsID available, gnomAD 0.0009%). This sequence change affects the initiator methionine of the CYP17A1 mRNA. The next in-frame methionine is located at codon 49.

Literature cited by the submitters: PubMed 14715827 (cited by Natera, Inc. and Labcorp Genetics (formerly Invitae), Labcorp); PubMed 9855540 (cited by Labcorp Genetics (formerly Invitae), Labcorp).